The following is an entry in ClinVar:

ClinVar aggregate classification (germline): Benign/Likely benign. Review status: criteria provided, multiple submitters, no conflicts (2 of 4 stars). 3 submissions from 3 submitters: Benign (1); Likely benign (2). Last evaluated 2025-10-12.

Allele frequency attached by ClinVar (database versions not stated): ExAC 0.00084; 1000 Genomes Project 30x 0.00234; 1000 Genomes Project 0.00280.
gnomAD v4.1: 489 of 1,614,016 alleles (0.03%); highest among the groups gnomAD compares: South Asian, 0.51%; 4 homozygotes.

Submissions (3):

Labcorp Genetics (formerly Invitae), Labcorp
Classification: Benign. Last evaluated: 2025-10-12. Review status: criteria provided, single submitter. Criteria: Invitae Variant Classification Sherloc (09022015). Collection method: clinical testing. Allele origin: germline.

Blueprint Genetics
Classification: Likely benign. Last evaluated: 2024-11-26. Review status: criteria provided, single submitter. Criteria: ACMG Guidelines, 2015. Collection method: clinical testing. Allele origin: germline.

CeGaT Center for Human Genetics Tuebingen
Classification: Likely benign. Last evaluated: 2022-07-01. Review status: criteria provided, single submitter. Criteria: CeGaT Center For Human Genetics Tuebingen Variant Classification Criteria Version 2. Collection method: clinical testing. Allele origin: germline. Affected: yes. Observed: 1 variant allele.
Comment: SGMS2: BP4, BP7

NM_001375905.1(SGMS2):c.1050G>A (p.Lys350=)

Genes: CYP2U1-AS1 (CYP2U1 and SGMS2 antisense RNA 1; minus strand), SGMS2 (sphingomyelin synthase 2; plus strand). Cytogenetic location: 4q25.
Variant type: single nucleotide variant.
Coding change: c.1050G>A on transcript NM_001375905.1 (MANE Select); coding-DNA position 1050, G replaced by A.
Protein change: p.Lys350=; no amino-acid change (lysine 350 retained).
Molecular consequence: synonymous variant. On other transcripts: 3 prime UTR variant (1).
Genome position (GRCh38, 1-based): chr4:107,910,505, G>A. VCF-style: chr4-107910505-G-A. GRCh37 (hg19) VCF-style: chr4-108831661-G-A.
Other names: c.1050G>A, p.Lys350= (NM_001136257.2, NM_001136258.2, NM_001375906.1 and 3 more transcripts); c.*154G>A (NM_001375910.1); c.531G>A, p.Lys177= (NM_001375911.1).
Identifiers: ClinVar variation 2192493 (VCV002192493.29), dbSNP rs550805400, ClinGen allele CA3036925.